The following is an entry in ClinVar:

NM_001289808.2(CRYAB):c.204G>A (p.Met68Ile)

Gene: CRYAB (crystallin alpha B; minus strand). Cytogenetic location: 11q23.1.
Variant type: single nucleotide variant.
Coding change: c.204G>A on transcript NM_001289808.2 (MANE Select); coding-DNA position 204, G replaced by A.
Protein change: p.Met68Ile; replaces methionine 68 with isoleucine.
Molecular consequence: missense variant. On other transcripts: initiator codon variant (2).
Genome position (GRCh38, 1-based): chr11:111,910,447, C>T on the plus strand (G>A on the coding strand, the complement: CRYAB is on the minus strand). VCF-style: chr11-111910447-C-T. GRCh37 (hg19) VCF-style: chr11-111781171-C-T.
Other names: c.204G>A, p.Met68Ile (NM_001289807.1, NM_001368245.1, NM_001885.3); c.3G>A, p.Met1Ile (NM_001330379.1, NM_001368246.1); short protein forms M1I, M68I.
Identifiers: ClinVar variation 3497340 (VCV003497340.1).

ClinVar aggregate classification (germline): Uncertain significance (1 of 4 stars; one submission).

Conditions:
Cardiovascular phenotype. Identifiers: MedGen CN230736.

gnomAD v4.1: 3 of 1,614,126 alleles (0.00019%); highest among the groups gnomAD compares: Non-Finnish European, 0.00017%; no homozygotes.

Submission:

Ambry Genetics
Classification: Uncertain significance for Cardiovascular phenotype. Last evaluated: 2024-07-24. Review status: criteria provided, single submitter. Criteria: Ambry Variant Classification Scheme 2023. Collection method: clinical testing. Allele origin: germline.
Comment: The p.M68I variant (also known as c.204G>A), located in coding exon 2 of the CRYAB gene, results from a G to A substitution at nucleotide position 204. The methionine at codon 68 is replaced by isoleucine, an amino acid with highly similar properties. This amino acid position is conserved. In addition, the in silico prediction for this alteration is inconclusive. Based on the available evidence, the clinical significance of this variant remains unclear.